The following is an entry in ClinVar:

NM_206926.2(SELENON):c.1A>G (p.Met1Val)

Gene: SELENON (selenoprotein N; plus strand). Cytogenetic location: 1p36.11.
Variant type: single nucleotide variant.
Coding change: c.1A>G on transcript NM_206926.2 (MANE Select); coding-DNA position 1, A replaced by G.
Protein change: p.Met1Val; changes the start codon (methionine 1).
Molecular consequence: missense variant, initiator codon variant.
Genome position (GRCh38, 1-based): chr1:25,800,231, A>G. VCF-style: chr1-25800231-A-G. GRCh37 (hg19) VCF-style: chr1-26126722-A-G.
Other names: NM_020451.3(SELENON):c.1A>G; p.Met1Val; c.1A>G, p.Met1Val (NM_020451.3); short protein forms M1V.
Identifiers: ClinVar variation 4491 (VCV000004491.19), dbSNP rs121908184, ClinGen allele CA253168.

ClinVar aggregate classification (germline): Pathogenic/Likely pathogenic. Review status: criteria provided, multiple submitters, no conflicts (2 of 4 stars). 8 submissions from 8 submitters: Pathogenic (5); Likely pathogenic (2). 1 of the submissions does not count toward it. Last evaluated 2025-10-06.

Conditions:
Congenital myopathy with fiber type disproportion. Also called: Congenital fiber-type disproportion myopathy; Congenital fiber-type disproportion. Identifiers: Orphanet 2020, MedGen C0546264, MONDO:0009711. Inheritance: all.
Eichsfeld type congenital muscular dystrophy (CMYO3). Also called: Rigid spine muscular dystrophy 1; MYOPATHY, SEPN1-RELATED; SELENON-related myopathy; Congenital myopathy 3 with rigid spine. Identifiers: MedGen C0410180, MONDO:0100100, OMIM 602771.

Allele frequency attached by ClinVar (database versions not stated): gnomAD 0.00004 and 0.00005; TOPMed 0.00002.

Submissions (8):

Labcorp Genetics (formerly Invitae), Labcorp
Classification: Pathogenic for Eichsfeld type congenital muscular dystrophy. Last evaluated: 2025-10-06. Review status: criteria provided, single submitter. Criteria: Invitae Variant Classification Sherloc (09022015). Collection method: clinical testing. Allele origin: germline.
Comment: This sequence change affects the initiator codon of the SELENON mRNA. This change may impact translation initiation or efficiency. The next in-frame methionine is located at codon 85. The frequency data for this variant in the population databases is considered unreliable, as metrics indicate poor data quality at this position in the gnomAD database. Disruption of the initiator codon has been observed in individuals with SELENON-related conditions (PMID: 12192640, 23394784, 28558865). ClinVar contains an entry for this variant (Variation ID: 4491). For these reasons, this variant has been classified as Pathogenic.

Broad Center for Mendelian Genomics, Broad Institute of MIT and Harvard
Classification: Likely pathogenic. Last evaluated: 2025-04-29. Review status: criteria provided, single submitter. Criteria: ACMG Guidelines, 2015. Collection method: curation. Allele origin: germline. Inheritance: Autosomal recessive inheritance.
Comment: The heterozygous p.Met1Val variant in SELENON has been reported in at least 7 individuals with rigid spine muscular dystrophy 1 (PMID: 12192640, 16365872, 23394784, 28558865), and has been identified in 0.013% (17406) of East Asian chromosomes by the Genome Aggregation Database (gnomAD; dbSNP rs121908184). Although this variant has been seen in the general population in a heterozygous state, its frequency is low enough to be consistent with a recessive carrier frequency. This variant has been reported in ClinVar (VCV000004491.15) and has been interpreted as pathogenic/likely pathogenic by multiple submitters. Of the 7 affected individuals, 2 were compound heterozygotes that carried a reported pathogenic variant in trans, which increases the likelihood that the p.Met1Val variant is pathogenic (VCV000373075.21; PMID: 16365872, 28558865). This variant is located in the first amino acid and abolishes the methionine initiation codon. The next in-frame methionine is at amino acid residue 85 and there are multiple reported pathogenic/likely pathogenic variants in ClinVar upstream of this downstream methionine. Loss of function of the SELENON gene is an established disease mechanism in autosomal recessive rigid spine muscular dystrophy 1. In summary, although additional studies are required to fully establish its clinical significance, this variant is likely pathogenic for autosomal recessive rigid spine muscular dystrophy 1. ACMG/AMP Criteria PM3_strong, PVS1_moderate, PM2_supporting (Richards 2015).

Revvity Omics, Revvity
Classification: Pathogenic for Eichsfeld type congenital muscular dystrophy. Last evaluated: 2025-03-25. Review status: criteria provided, single submitter. Criteria: ACMG Guidelines, 2015. Collection method: clinical testing. Allele origin: germline.

3billion
Classification: Pathogenic for Eichsfeld type congenital muscular dystrophy. Last evaluated: 2025-02-22. Review status: criteria provided, single submitter. Criteria: ACMG Guidelines, 2015. Collection method: clinical testing. Allele origin: germline. Affected: yes.
Comment: The variant is observed at an extremely low frequency in the gnomAD v4.1.0 dataset (total allele frequency: 0.005%). Predicted Consequence/Location: Start-lost: reinitiation of translation may occur at a downstream alternate start codon but still result in a loss or disruption of normal protein function as there have been pathogenic variants reported upstream of the alternate start codon. The variant has been reported to be in trans with a pathogenic variant as either compound heterozygous or homozygous in at least 2 similarly affected unrelated individuals (PMID: 12192640, 23394784, 28558865). The variant has been reported to co-segregate with the disease in at least one similarly affected relative/individual in the same family or similarly affected unrelated families (PMID: 12192640). The variant has been reported at least twice as pathogenic without evidence for the classification (ClinVar ID: VCV000004491 /PMID: 12192640). Therefore, this variant is classified as Pathogenic according to the recommendation of ACMG/AMP guideline.

Fulgent Genetics
Classification: Likely pathogenic for Congenital myopathy 4A, autosomal dominant; Eichsfeld type congenital muscular dystrophy. Last evaluated: 2021-11-15. Review status: criteria provided, single submitter. Criteria: ACMG Guidelines, 2015. Collection method: clinical testing. Allele origin: unknown.

MGZ Medical Genetics Center
Classification: Pathogenic for Congenital myopathy 4A, autosomal dominant. Last evaluated: 2021-11-15. Review status: criteria provided, single submitter. Criteria: ACMG Guidelines, 2015. Collection method: clinical testing. Allele origin: germline. Affected: yes. Observed: 1 variant allele.
Comment: ACMG criteria applied: PVS1, PS1, PM3

GeneDx
Classification: Pathogenic. Last evaluated: 2015-06-26. Review status: criteria provided, single submitter. Criteria: GeneDx Variant Classification (06012015). Collection method: clinical testing. Allele origin: germline. Affected: yes.
Comment: The c.1 A>G variant in the SEPN1 gene has been identified previously, both in the compound heterozygousand homozygous state, in patients with SEPN1-related disorders. Patient's presented with multiple featuresincluding rigid spine, nasal speech and various histological findings including minicores (Ferreiro et al., 2002;Maggi et al., 2013). The variant alters the initiator Methionine codon, and the resultant protein would bedescribed as p.Met1?" to signify that it is not known if the loss of Met1 means that all protein translation iscompletely prevented or if an abnormal protein is produced using an alternate Methionine initiator codon.Therefore, c.1 A>G is considered a pathogenic variant."

OMIM
Classification: Pathogenic for CONGENITAL MYOPATHY 3 WITH RIGID SPINE. Last evaluated: 2006-03-01. Review status: no assertion criteria provided. Collection method: literature only. Allele origin: germline. Not counted in ClinVar's aggregate classification.

Literature cited by the submitters: PubMed 12192640 (cited by 4 submitters); PubMed 23394784 (cited by 3 submitters); PubMed 28558865 (cited by 3 submitters); PubMed 16365872 (cited by Broad Center for Mendelian Genomics, Broad Institute of MIT and Harvard and OMIM); PubMed 32796131 (cited by OMIM).